The following is an entry in ClinVar:

ClinVar aggregate classification (germline): Uncertain significance (1 of 4 stars; one submission).

Allele frequency attached by ClinVar (database versions not stated): gnomAD exomes below 0.00001; TOPMed below 0.00001; gnomAD 0.00001.

Submission:

Labcorp Genetics (formerly Invitae), Labcorp
Classification: Uncertain significance. Last evaluated: 2022-04-12. Review status: criteria provided, single submitter. Criteria: Invitae Variant Classification Sherloc (09022015). Collection method: clinical testing. Allele origin: germline.
Comment: This variant has not been reported in the literature in individuals affected with DHX38-related conditions. This variant is not present in population databases (gnomAD no frequency). This sequence change replaces leucine, which is neutral and non-polar, with valine, which is neutral and non-polar, at codon 764 of the DHX38 protein (p.Leu764Val). In summary, the available evidence is currently insufficient to determine the role of this variant in disease. Therefore, it has been classified as a Variant of Uncertain Significance. Algorithms developed to predict the effect of missense changes on protein structure and function are either unavailable or do not agree on the potential impact of this missense change (SIFT: "Deleterious"; PolyPhen-2: "Benign"; Align-GVGD: "Class C25").

NM_014003.4(DHX38):c.2290C>G (p.Leu764Val)

Gene: DHX38 (DEAH-box helicase 38; plus strand). Cytogenetic location: 16q22.2.
Variant type: single nucleotide variant.
Coding change: c.2290C>G on transcript NM_014003.4 (MANE Select); coding-DNA position 2290, C replaced by G.
Protein change: p.Leu764Val; replaces leucine 764 with valine.
Molecular consequence: missense variant.
Genome position (GRCh38, 1-based): chr16:72,105,259, C>G. VCF-style: chr16-72105259-C-G. GRCh37 (hg19) VCF-style: chr16-72139158-C-G.
Other names: short protein forms L764V.
Identifiers: ClinVar variation 1963754 (VCV001963754.5), dbSNP rs2042158932, ClinGen allele CA396711845.
Genomic context (GRCh38, chr16:72,105,259, plus strand): 5'-CCAGTGTCTCACAGCTCCTCCCTGGGCTCTCAGGTGACCTCAGACCAGATTGTGGAGCAT[C>G]TGGAGGAACTGGAGAACGCGCCTGCCCTGGCTGTGCTGCCCATCTACTCTCAGCTGCCTT-3'
Protein context (NP_054722.2, residues 754-774): EVTSDQIVEH[Leu764Val]EELENAPALA